The following is an entry in ClinVar:

ClinVar aggregate classification (germline): Uncertain significance (1 of 4 stars; one submission).

Conditions:
Cardiovascular phenotype. Identifiers: MedGen CN230736.

Submission:

Ambry Genetics
Classification: Uncertain significance for Cardiovascular phenotype. Last evaluated: 2020-01-02. Review status: criteria provided, single submitter. Criteria: Ambry Variant Classification Scheme 2023. Collection method: clinical testing. Allele origin: germline.
Comment: The p.G21719D variant (also known as c.65156G>A), located in coding exon 166 of the TTN gene, results from a G to A substitution at nucleotide position 65156. The glycine at codon 21719 is replaced by aspartic acid, an amino acid with similar properties. This amino acid position is well conserved in available vertebrate species. In addition, this alteration is predicted to be tolerated by in silico analysis. Since supporting evidence is limited at this time, the clinical significance of this alteration remains unclear.

NM_001267550.2(TTN):c.92351G>A (p.Gly30784Asp)

Genes: TTN (titin; minus strand), TTN-AS1 (TTN antisense RNA 1; plus strand). Cytogenetic location: 2q31.2.
Variant type: single nucleotide variant.
Coding change: c.92351G>A on transcript NM_001267550.2 (MANE Select); coding-DNA position 92351, G replaced by A.
Protein change: p.Gly30784Asp; replaces glycine 30784 with aspartic acid.
Molecular consequence: missense variant.
Genome position (GRCh38, 1-based): chr2:178,549,275, C>T on the plus strand (G>A on the coding strand, the complement: TTN is on the minus strand). VCF-style: chr2-178549275-C-T. GRCh37 (hg19) VCF-style: chr2-179414002-C-T.
Other names: c.87428G>A, p.Gly29143Asp (NM_001256850.1); c.65156G>A, p.Gly21719Asp (NM_003319.4); c.84647G>A, p.Gly28216Asp (NM_133378.4); c.65531G>A, p.Gly21844Asp (NM_133432.3); c.65732G>A, p.Gly21911Asp (NM_133437.4); short protein forms G21719D, G21911D, G28216D, G29143D, G21844D, G30784D.
Identifiers: ClinVar variation 1753977 (VCV001753977.2), dbSNP rs1698386840, ClinGen allele CA349493592.